The following is an entry in ClinVar:

NM_018714.3(COG1):c.311A>G (p.Gln104Arg)

Genes: COG1 (component of oligomeric golgi complex 1; plus strand), LOC130061577 (ATAC-STARR-seq lymphoblastoid silent region 8921; plus strand). Cytogenetic location: 17q25.1.
Variant type: single nucleotide variant.
Coding change: c.311A>G on transcript NM_018714.3 (MANE Select); coding-DNA position 311, A replaced by G.
Protein change: p.Gln104Arg; replaces glutamine 104 with arginine.
Molecular consequence: missense variant.
Genome position (GRCh38, 1-based): chr17:73,193,380, A>G. VCF-style: chr17-73193380-A-G. GRCh37 (hg19) VCF-style: chr17-71189519-A-G.
Other names: short protein forms Q104R.
Identifiers: ClinVar variation 1446478 (VCV001446478.6), dbSNP rs1285029408, ClinGen allele CA400880974.
Genomic context (GRCh38, chr17:73,193,380, plus strand): 5'-ACCAGTACTGCGCCCGCCTCCGCCAGGCCGGCTCGGCCGCGCCCCGGCCACCGCGGGCCC[A>G]GCAGGTCAGTCCCCGTGCCCCCACCCTGCGACCCGCAGGCGGGTCCCGGAGCCCCTGGCC-3'
Protein context (NP_061184.1, residues 94-114): GSAAPRPPRA[Gln104Arg]QPQQPSQEKF

ClinVar aggregate classification (germline): Uncertain significance (1 of 4 stars; one submission).

Conditions:
COG1 congenital disorder of glycosylation (CDG2G). Also called: CONGENITAL DISORDER OF GLYCOSYLATION, TYPE IIg; CDG IIg; CDGII/COG1 CEREBROCOSTOMANDIBULAR-LIKE SYNDROME. Identifiers: Orphanet 263508, MedGen C2931011, MONDO:0012637, OMIM 611209.

Allele frequency attached by ClinVar (database versions not stated): gnomAD exomes below 0.00001 and 0.00001; gnomAD 0.00001; TOPMed 0.00002.
gnomAD v4.1: 2 of 1,481,904 alleles (0.00013%); highest among the groups gnomAD compares: Admixed American, 0.0047%; no homozygotes.

Submission:

Labcorp Genetics (formerly Invitae), Labcorp
Classification: Uncertain significance for COG1 congenital disorder of glycosylation. Last evaluated: 2024-10-29. Review status: criteria provided, single submitter. Criteria: Invitae Variant Classification Sherloc (09022015). Collection method: clinical testing. Allele origin: germline.
Comment: This sequence change replaces glutamine, which is neutral and polar, with arginine, which is basic and polar, at codon 104 of the COG1 protein (p.Gln104Arg). The frequency data for this variant in the population databases is considered unreliable, as metrics indicate poor data quality at this position in the gnomAD database. This variant has not been reported in the literature in individuals affected with COG1-related conditions. ClinVar contains an entry for this variant (Variation ID: 1446478). Invitae Evidence Modeling of protein sequence and biophysical properties (such as structural, functional, and spatial information, amino acid conservation, physicochemical variation, residue mobility, and thermodynamic stability) indicates that this missense variant is not expected to disrupt COG1 protein function with a negative predictive value of 80%. In summary, the available evidence is currently insufficient to determine the role of this variant in disease. Therefore, it has been classified as a Variant of Uncertain Significance.